The following is an entry in ClinVar:

NM_004304.5(ALK):c.924G>A (p.Gly308=)

Gene: ALK (ALK receptor tyrosine kinase; minus strand). Cytogenetic location: 2p23.2.
Variant type: single nucleotide variant.
Coding change: c.924G>A on transcript NM_004304.5 (MANE Select); coding-DNA position 924, G replaced by A.
Protein change: p.Gly308=; no amino-acid change (glycine 308 retained).
Molecular consequence: synonymous variant.
Genome position (GRCh38, 1-based): chr2:29,694,878, C>T on the plus strand (G>A on the coding strand, the complement: ALK is on the minus strand). VCF-style: chr2-29694878-C-T. GRCh37 (hg19) VCF-style: chr2-29917744-C-T.
Identifiers: ClinVar variation 239850 (VCV000239850.38), dbSNP rs878854660, ClinGen allele CA10581965.

ClinVar aggregate classification (germline): Likely benign. Review status: criteria provided, multiple submitters, no conflicts (2 of 4 stars). 3 submissions from 3 submitters: Likely benign (3). Last evaluated 2025-11-10.

Conditions:
Hereditary cancer-predisposing syndrome. Also called: Tumor predisposition; Hereditary Cancer Syndrome; Neoplastic Syndromes, Hereditary; Hereditary neoplastic syndrome. Identifiers: Orphanet 140162, MedGen C0027672, MeSH D009386, MONDO:0015356.
Neuroblastoma, susceptibility to, 3. Also called: ALK-Related Neuroblastic Tumor Susceptibility. Identifiers: Orphanet 635, MedGen C2751681, MONDO:0013083, OMIM 613014.

Allele frequency attached by ClinVar (database versions not stated): gnomAD exomes 0.00001; gnomAD 0.00002; TOPMed 0.00002.
gnomAD v4.1: 13 of 1,613,850 alleles (0.00081%); highest among the groups gnomAD compares: Non-Finnish European, 0.0011%; no homozygotes.

Submissions (3):

Labcorp Genetics (formerly Invitae), Labcorp
Classification: Likely benign for Neuroblastoma, susceptibility to, 3. Last evaluated: 2025-11-10. Review status: criteria provided, single submitter. Criteria: Invitae Variant Classification Sherloc (09022015). Collection method: clinical testing. Allele origin: germline.

CeGaT Center for Human Genetics Tuebingen
Classification: Likely benign. Last evaluated: 2023-01-01. Review status: criteria provided, single submitter. Criteria: CeGaT Center For Human Genetics Tuebingen Variant Classification Criteria Version 2. Collection method: clinical testing. Allele origin: germline. Affected: yes. Observed: 1 variant allele.
Comment: ALK: BP4, BP7

Ambry Genetics
Classification: Likely benign for Hereditary cancer-predisposing syndrome. Last evaluated: 2022-02-24. Review status: criteria provided, single submitter. Criteria: Ambry Variant Classification Scheme 2023. Collection method: clinical testing. Allele origin: germline.